The following is an entry in ClinVar:

NM_006623.4(PHGDH):c.1209+5G>T

Gene: PHGDH (phosphoglycerate dehydrogenase; plus strand). Cytogenetic location: 1p12.
Variant type: single nucleotide variant.
Coding change: c.1209+5G>T on transcript NM_006623.4 (MANE Select); 5 bases into the intron after coding-DNA position 1209, G replaced by T.
Molecular consequence: intron variant.
Genome position (GRCh38, 1-based): chr1:119,741,902, G>T. VCF-style: chr1-119741902-G-T. GRCh37 (hg19) VCF-style: chr1-120284525-G-T.
Identifiers: ClinVar variation 1976228 (VCV001976228.5), dbSNP rs374321849, ClinGen allele CA886287803.
Genomic context (GRCh38, chr1:119,741,902, plus strand): 5'-AGGCGGATGTGAACTTGGTGAACGCTAAGCTGCTGGTGAAAGAGGCTGGCCTCAATGTGC[G>T]CCCCTCTCCCCCACGCTGCCTCCCCATCCCTGTCAGCACTAGTCTTCTCCCCCACATTTC-3'

ClinVar aggregate classification (germline): Uncertain significance (1 of 4 stars; one submission).

Conditions:
PHGDH deficiency. Identifiers: Orphanet 79351, MedGen C1866174, MONDO:0011152, OMIM 601815.

gnomAD v4.1: 2 of 1,612,110 alleles (0.00012%); highest among the groups gnomAD compares: Non-Finnish European, 0.00017%; no homozygotes.

Submission:

Labcorp Genetics (formerly Invitae), Labcorp
Classification: Uncertain significance for PHGDH deficiency. Last evaluated: 2023-01-24. Review status: criteria provided, single submitter. Criteria: Invitae Variant Classification Sherloc (09022015). Collection method: clinical testing. Allele origin: germline.
Comment: In summary, the available evidence is currently insufficient to determine the role of this variant in disease. Therefore, it has been classified as a Variant of Uncertain Significance. Variants that disrupt the consensus splice site are a relatively common cause of aberrant splicing (PMID: 17576681, 9536098). Algorithms developed to predict the effect of sequence changes on RNA splicing suggest that this variant may disrupt the consensus splice site. This variant has not been reported in the literature in individuals affected with PHGDH-related conditions. This variant is not present in population databases (gnomAD no frequency). This sequence change falls in intron 10 of the PHGDH gene. It does not directly change the encoded amino acid sequence of the PHGDH protein. It affects a nucleotide within the consensus splice site.

Literature cited by the submitters: PubMed 17576681; PubMed 9536098.